The following is an entry in ClinVar:

ClinVar aggregate classification (germline): Uncertain significance (1 of 4 stars; one submission).

Allele frequency attached by ClinVar (database versions not stated): gnomAD exomes below 0.00001; TOPMed below 0.00001.
gnomAD v4.1: 1 of 1,551,274 alleles (0.000064%); highest among the groups gnomAD compares: Non-Finnish European, 0.000087%; no homozygotes.

Submission:

Labcorp Genetics (formerly Invitae), Labcorp
Classification: Uncertain significance. Last evaluated: 2024-10-30. Review status: criteria provided, single submitter. Criteria: Invitae Variant Classification Sherloc (09022015). Collection method: clinical testing. Allele origin: germline.
Comment: This sequence change replaces glutamic acid, which is acidic and polar, with glycine, which is neutral and non-polar, at codon 1945 of the UNC80 protein (p.Glu1945Gly). This variant is not present in population databases (gnomAD no frequency). This variant has not been reported in the literature in individuals affected with UNC80-related conditions. ClinVar contains an entry for this variant (Variation ID: 1391660). Invitae Evidence Modeling of protein sequence and biophysical properties (such as structural, functional, and spatial information, amino acid conservation, physicochemical variation, residue mobility, and thermodynamic stability) indicates that this missense variant is not expected to disrupt UNC80 protein function with a negative predictive value of 80%. Algorithms developed to predict the effect of sequence changes on RNA splicing suggest that this variant may disrupt the consensus splice site. In summary, the available evidence is currently insufficient to determine the role of this variant in disease. Therefore, it has been classified as a Variant of Uncertain Significance.

NM_001371986.1(UNC80):c.6032A>G (p.Glu2011Gly)

Gene: UNC80 (unc-80 subunit of NALCN channel complex; plus strand). Cytogenetic location: 2q34.
Variant type: single nucleotide variant.
Coding change: c.6032A>G on transcript NM_001371986.1 (MANE Select); coding-DNA position 6032, A replaced by G.
Protein change: p.Glu2011Gly; replaces glutamic acid 2011 with glycine.
Molecular consequence: missense variant.
Genome position (GRCh38, 1-based): chr2:209,933,859, A>G. VCF-style: chr2-209933859-A-G. GRCh37 (hg19) VCF-style: chr2-210798583-A-G.
Other names: c.5834A>G, p.Glu1945Gly (NM_032504.2); c.5819A>G, p.Glu1940Gly (NM_182587.4); short protein forms E1945G, E1940G, E2011G.
Identifiers: ClinVar variation 1391660 (VCV001391660.6), dbSNP rs2091062703, ClinGen allele CA350768883.